The following is an entry in ClinVar:

NM_014727.3(KMT2B):c.5786C>T (p.Ala1929Val)

Gene: KMT2B (lysine methyltransferase 2B; plus strand). Cytogenetic location: 19q13.12.
Variant type: single nucleotide variant.
Coding change: c.5786C>T on transcript NM_014727.3 (MANE Select); coding-DNA position 5786, C replaced by T.
Protein change: p.Ala1929Val; replaces alanine 1929 with valine.
Molecular consequence: missense variant.
Genome position (GRCh38, 1-based): chr19:35,732,335, C>T. VCF-style: chr19-35732335-C-T. GRCh37 (hg19) VCF-style: chr19-36223236-C-T.
Other names: short protein forms A1929V.
Identifiers: ClinVar variation 2582490 (VCV002582490.4), dbSNP rs2513350609, ClinGen allele CA405423869.
Genomic context (GRCh38, chr19:35,732,335, plus strand): 5'-CCCCCAGACGTTCCCGTCGTCCCAGCCCTTTGGCTCCCAGGCCGCCTCCATCACGGTGGG[C>T]CTCCCCTCCTCTAAAAACCTCCCCTCAGCTCAGGGTGCCCCCTCCTACCTCAGTCGTCAC-3'
Protein context (NP_055542.1, residues 1919-1939): LAPRPPPSRW[Ala1929Val]SPPLKTSPQL

ClinVar aggregate classification (germline): Uncertain significance. Review status: criteria provided, multiple submitters, no conflicts (2 of 4 stars). 2 submissions from 2 submitters: Uncertain significance (2). Last evaluated 2024-03-05.

Conditions:
Intellectual developmental disorder, autosomal dominant 68 (MRD68). Also called: MENTAL RETARDATION, AUTOSOMAL DOMINANT 68. Identifiers: MedGen C5677008, MONDO:0030969, OMIM 619934.

Allele frequency attached by ClinVar (database versions not stated): gnomAD exomes below 0.00001.

Submissions (2):

Labcorp Genetics (formerly Invitae), Labcorp
Classification: Uncertain significance. Last evaluated: 2024-03-05. Review status: criteria provided, single submitter. Criteria: Invitae Variant Classification Sherloc (09022015). Collection method: clinical testing. Allele origin: germline.
Comment: This sequence change replaces alanine, which is neutral and non-polar, with valine, which is neutral and non-polar, at codon 1929 of the KMT2B protein (p.Ala1929Val). This variant is not present in population databases (gnomAD no frequency). This variant has not been reported in the literature in individuals affected with KMT2B-related conditions. ClinVar contains an entry for this variant (Variation ID: 2582490). Advanced modeling of protein sequence and biophysical properties (such as structural, functional, and spatial information, amino acid conservation, physicochemical variation, residue mobility, and thermodynamic stability) performed at Invitae indicates that this missense variant is not expected to disrupt KMT2B protein function with a negative predictive value of 95%. Algorithms developed to predict the effect of sequence changes on RNA splicing suggest that this variant may create or strengthen a splice site. In summary, the available evidence is currently insufficient to determine the role of this variant in disease. Therefore, it has been classified as a Variant of Uncertain Significance.

Baylor Genetics
Classification: Uncertain significance for Intellectual developmental disorder, autosomal dominant 68. Last evaluated: 2023-10-30. Review status: criteria provided, single submitter. Criteria: ACMG Guidelines, 2015. Collection method: clinical testing. Allele origin: unknown.